The following is an entry in ClinVar:

ClinVar aggregate classification (germline): Uncertain significance (1 of 4 stars; one submission).

Conditions:
Spinocerebellar ataxia type 13 (SCA13). Also called: Spinocerebellar Ataxia Type13. Identifiers: Orphanet 98768, MedGen C1854488, MONDO:0011529, OMIM 605259.

Submission:

3billion
Classification: Uncertain significance for Spinocerebellar ataxia type 13. Last evaluated: 2024-09-13. Review status: criteria provided, single submitter. Criteria: ACMG Guidelines, 2015. Collection method: clinical testing. Allele origin: germline. Affected: yes.
Comment: The variant is not observed in the gnomAD v4.0.0 dataset. Predicted Consequence/Location: Missense variant. Missense changes are a common disease-causing mechanism. In silico tool predictions suggest damaging effect of the variant on gene or gene product [REVEL: 0.71 (>=0.6, sensitivity 0.68 and specificity 0.92)]. Therefore, this variant is classified as VUS according to the recommendation of ACMG/AMP guideline.

NM_004977.3(KCNC3):c.937G>C (p.Glu313Gln)

Gene: KCNC3 (potassium voltage-gated channel subfamily C member 3; minus strand). Cytogenetic location: 19q13.33.
Variant type: single nucleotide variant.
Coding change: c.937G>C on transcript NM_004977.3 (MANE Select); coding-DNA position 937, G replaced by C.
Protein change: p.Glu313Gln; replaces glutamic acid 313 with glutamine.
Molecular consequence: missense variant.
Genome position (GRCh38, 1-based): chr19:50,324,016, C>G on the plus strand (G>C on the coding strand, the complement: KCNC3 is on the minus strand). VCF-style: chr19-50324016-C-G. GRCh37 (hg19) VCF-style: chr19-50827273-C-G.
Other names: c.709G>C, p.Glu237Gln (NM_001372305.1); short protein forms E237Q, E313Q.
Identifiers: ClinVar variation 4291909 (VCV004291909.1).